The following is an entry in ClinVar:

NM_006206.6(PDGFRA):c.3183G>C (p.Lys1061Asn)

Gene: PDGFRA (platelet derived growth factor receptor alpha; plus strand). Cytogenetic location: 4q12.
Variant type: single nucleotide variant.
Coding change: c.3183G>C on transcript NM_006206.6 (MANE Select); coding-DNA position 3183, G replaced by C.
Protein change: p.Lys1061Asn; replaces lysine 1061 with asparagine.
Molecular consequence: missense variant.
Genome position (GRCh38, 1-based): chr4:54,295,185, G>C. VCF-style: chr4-54295185-G-C. GRCh37 (hg19) VCF-style: chr4-55161352-G-C.
Other names: c.3258G>C, p.Lys1086Asn (NM_001347828.2); c.3183G>C, p.Lys1061Asn (NM_001347829.2); c.3222G>C, p.Lys1074Asn (NM_001347830.2); short protein forms K1074N, K1086N, K1061N.
Identifiers: ClinVar variation 3658519 (VCV003658519.2).
Genomic context (GRCh38, chr4:54,295,185, plus strand): 5'-CTCGCAGACCTCTGAAGAGAGTGCCATTGAGACGGGTTCCAGCAGTTCCACCTTCATCAA[G>C]AGAGAGGACGAGACCATTGAAGACATCGACATGATGGATGACATCGGCATAGACTCTTCA-3'
Protein context (NP_006197.1, residues 1051-1071): ETGSSSSTFI[Lys1061Asn]REDETIEDID

ClinVar aggregate classification (germline): Uncertain significance (1 of 4 stars; one submission).

Conditions:
Gastrointestinal stromal tumor. Also called: Gastrointestinal stromal tumor, somatic; Gastrointestinal stroma tumor. Identifiers: Orphanet 44890, MedGen C0238198, MeSH D046152, MONDO:0011719, OMIM 606764, HP:0100723.

Submission:

Labcorp Genetics (formerly Invitae), Labcorp
Classification: Uncertain significance for Gastrointestinal stromal tumor. Last evaluated: 2024-07-02. Review status: criteria provided, single submitter. Criteria: Invitae Variant Classification Sherloc (09022015). Collection method: clinical testing. Allele origin: germline.
Comment: This sequence change replaces lysine, which is basic and polar, with asparagine, which is neutral and polar, at codon 1061 of the PDGFRA protein (p.Lys1061Asn). This variant is not present in population databases (gnomAD no frequency). This variant has not been reported in the literature in individuals affected with PDGFRA-related conditions. Advanced modeling of protein sequence and biophysical properties (such as structural, functional, and spatial information, amino acid conservation, physicochemical variation, residue mobility, and thermodynamic stability) performed at Invitae indicates that this missense variant is not expected to disrupt PDGFRA protein function with a negative predictive value of 80%. In summary, the available evidence is currently insufficient to determine the role of this variant in disease. Therefore, it has been classified as a Variant of Uncertain Significance.